The following is an entry in ClinVar:

NM_001360.3(DHCR7):c.995del (p.Leu332fs)

Gene: DHCR7 (7-dehydrocholesterol reductase; minus strand). Cytogenetic location: 11q13.4.
Variant type: Deletion.
Coding change: c.995del on transcript NM_001360.3 (MANE Select); coding-DNA position 995, one base deleted (T; older notation c.995delT).
Protein change: p.Leu332fs; shifts the reading frame from leucine 332.
Molecular consequence: frameshift variant.
Genome position (GRCh38, 1-based): chr11:71,435,808, A deleted on the plus strand (T on the coding strand, the reverse complement: DHCR7 is on the minus strand). VCF-style (leftmost placement, unchanged base first): chr11-71435807-CA-C. GRCh37 (hg19) VCF-style: chr11-71146853-CA-C.
Other names: c.995delT (NM_001360.2); c.995del, p.Leu332fs (NM_001163817.2); short protein forms L332fs.
Identifiers: ClinVar variation 370597 (VCV000370597.5), dbSNP rs1057516618, ClinGen allele CA16041547.

ClinVar aggregate classification (germline): Likely pathogenic. Review status: criteria provided, multiple submitters, no conflicts (2 of 4 stars). 3 submissions from 3 submitters: Likely pathogenic (2). 1 of the submissions does not count toward it. Last evaluated 2024-11-04.

Conditions:
Smith-Lemli-Opitz syndrome (SLOS). Also called: 7-Dehydrocholesterol reductase deficiency; POLYDACTYLY, SEX REVERSAL, RENAL HYPOPLASIA, AND UNILOBAR LUNG; RSH SYNDROME; RUTLEDGE LETHAL MULTIPLE CONGENITAL ANOMALY SYNDROME; LETHAL ACRODYSGENITAL SYNDROME. Identifiers: Orphanet 818, MedGen C0175694, MONDO:0010035, OMIM 270400.

Submissions (3):

Natera, Inc.
Classification: Likely pathogenic for Smith-Lemli-Opitz syndrome. Last evaluated: 2024-11-04. Review status: criteria provided, single submitter. Criteria: Natera Variant Classification Schema (03/2026). Collection method: clinical testing. Allele origin: germline.
Comment: The c.995delT variant in DHCR7 is a frameshift variant predicted to shift the reading frame beginning at codon 332 and leads to a stop codon 81 codons downstream. This variant is expected to result in nonsense mediated decay, truncation, or a dysfunctional protein product. This variant is rare in the general population with a frequency below the threshold expected for the associated phenotype(s). Given the available evidence, this variant is classified as Likely Pathogenic.

Baylor Genetics
Classification: Likely pathogenic for Smith-Lemli-Opitz syndrome. Review status: criteria provided, single submitter. Criteria: ACMG Guidelines, 2015. Collection method: clinical testing. Allele origin: germline.

Counsyl
Classification: Likely pathogenic for Smith-Lemli-Opitz syndrome. Last evaluated: 2016-03-09. Review status: no assertion criteria provided. Collection method: clinical testing. Allele origin: unknown. Not counted in ClinVar's aggregate classification.